The following is an entry in ClinVar:

NM_207421.4(PADI6):c.775G>A (p.Val259Ile)

Gene: PADI6 (peptidyl arginine deiminase 6; plus strand). Cytogenetic location: 1p36.13.
Variant type: single nucleotide variant.
Coding change: c.775G>A on transcript NM_207421.4 (MANE Select); coding-DNA position 775, G replaced by A.
Protein change: p.Val259Ile; replaces valine 259 with isoleucine.
Molecular consequence: missense variant.
Genome position (GRCh38, 1-based): chr1:17,388,476, G>A. VCF-style: chr1-17388476-G-A. GRCh37 (hg19) VCF-style: chr1-17714971-G-A.
Other names: short protein forms V259I.
Identifiers: ClinVar variation 3052593 (VCV003052593.2), dbSNP rs74834315, ClinGen allele CA641505.

ClinVar aggregate classification (germline): Benign (0 of 4 stars; one submission).

Conditions:
PADI6-related disorder. Also called: PADI6-related condition.

Allele frequency attached by ClinVar (database versions not stated): ESP Exome Variant Server 0.01645; ExAC 0.01701; gnomAD 0.02024; TOPMed 0.02837; 1000 Genomes Project 0.03215; 1000 Genomes Project 30x 0.03404.
gnomAD v4.1: 11,552 of 1,613,562 alleles (0.72%); highest among the groups gnomAD compares: Admixed American, 9.5%; 469 homozygotes.

Submission:

PreventionGenetics, part of Exact Sciences
Classification: Benign for PADI6-related condition. Last evaluated: 2019-03-27. Review status: no assertion criteria provided. Collection method: clinical testing. Allele origin: germline.
Comment: This variant is classified as benign based on ACMG/AMP sequence variant interpretation guidelines (Richards et al. 2015 PMID: 25741868, with internal and published modifications).